The following is an entry in ClinVar:

NM_024422.6(DSC2):c.2377A>G (p.Thr793Ala)

Gene: DSC2 (desmocollin 2; minus strand). Cytogenetic location: 18q12.1.
Variant type: single nucleotide variant.
Coding change: c.2377A>G on transcript NM_024422.6 (MANE Select); coding-DNA position 2377, A replaced by G.
Protein change: p.Thr793Ala; replaces threonine 793 with alanine.
Molecular consequence: missense variant.
Genome position (GRCh38, 1-based): chr18:31,069,025, T>C on the plus strand (A>G on the coding strand, the complement: DSC2 is on the minus strand). VCF-style: chr18-31069025-T-C. GRCh37 (hg19) VCF-style: chr18-28648991-T-C.
Other names: c.1948A>G, p.Thr650Ala (NM_001406506.1, NM_001406507.1); c.2377A>G, p.Thr793Ala (NM_004949.5); short protein forms T793A, T650A.
Identifiers: ClinVar variation 1923923 (VCV001923923.5), dbSNP rs1451275440, ClinGen allele CA402111602.

ClinVar aggregate classification (germline): Uncertain significance (1 of 4 stars; one submission).

Conditions:
Arrhythmogenic right ventricular dysplasia 11. Also called: Arrhythmogenic Right Ventricular Dysplasia/Cardiomyopathy11; ARRHYTHMOGENIC RIGHT VENTRICULAR DYSPLASIA, FAMILIAL, 11; Arrhythmogenic right ventricular dysplasia 11 with mild palmoplantar keratoderma and woolly hair. Identifiers: MedGen C1864850, MONDO:0012506, OMIM 610476.

Allele frequency attached by ClinVar (database versions not stated): TOPMed 0.00004; gnomAD 0.00003.
gnomAD v4.1: 5 of 1,613,874 alleles (0.00031%); highest among the groups gnomAD compares: Admixed American, 0.0083%; no homozygotes.

Submission:

Labcorp Genetics (formerly Invitae), Labcorp
Classification: Uncertain significance for Arrhythmogenic right ventricular dysplasia 11. Last evaluated: 2025-01-06. Review status: criteria provided, single submitter. Criteria: Invitae Variant Classification Sherloc (09022015). Collection method: clinical testing. Allele origin: germline.
Comment: This sequence change replaces threonine, which is neutral and polar, with alanine, which is neutral and non-polar, at codon 793 of the DSC2 protein (p.Thr793Ala). This variant is not present in population databases (gnomAD no frequency). This variant has not been reported in the literature in individuals affected with DSC2-related conditions. ClinVar contains an entry for this variant (Variation ID: 1923923). Invitae Evidence Modeling of protein sequence and biophysical properties (such as structural, functional, and spatial information, amino acid conservation, physicochemical variation, residue mobility, and thermodynamic stability) indicates that this missense variant is expected to disrupt DSC2 protein function with a positive predictive value of 80%. In summary, the available evidence is currently insufficient to determine the role of this variant in disease. Therefore, it has been classified as a Variant of Uncertain Significance.